The following is an entry in ClinVar:

NM_015922.3(NSDHL):c.1118A>G (p.Lys373Arg)

Gene: NSDHL (NAD(P) dependent 3-beta-hydroxysteroid dehydrogenase NSDHL; plus strand). Cytogenetic location: Xq28.
Variant type: single nucleotide variant.
Coding change: c.1118A>G on transcript NM_015922.3 (MANE Select); coding-DNA position 1118, A replaced by G.
Protein change: p.Lys373Arg; replaces lysine 373 with arginine.
Molecular consequence: missense variant.
Genome position (GRCh38, 1-based): chrX:152,869,112, A>G. VCF-style: chrX-152869112-A-G. GRCh37 (hg19) VCF-style: chrX-152037656-A-G.
Other names: c.1118A>G, p.Lys373Arg (NM_001129765.2); short protein forms K373R.
Identifiers: ClinVar variation 978118 (VCV000978118.4), dbSNP rs1933665377, ClinGen allele CA415287735.

ClinVar aggregate classification (germline): Uncertain significance. Review status: criteria provided, multiple submitters, no conflicts (2 of 4 stars). 3 submissions from 3 submitters: Uncertain significance (3). Last evaluated 2024-06-17.

Conditions:
NSDHL-related disorder. Also called: NSDHL-Related Disorders; NSDHL-related condition. Identifiers: MedGen CN381535.
CK syndrome. Also called: MENTAL RETARDATION, X-LINKED, WITH THIN BODY HABITUS AND CORTICAL MALFORMATION. Identifiers: Orphanet 251383, MedGen C3151781, MONDO:0010441, OMIM 300831.
Child syndrome. Also called: CHILD (Congenital Hemidysplasia with Ichthyosiform Nevus and Limb Defects) Syndrome. Identifiers: Orphanet 139, MedGen C0265267, MONDO:0010621, OMIM 308050.

Submissions (3):

Fulgent Genetics
Classification: Uncertain significance for CK syndrome; Child syndrome. Last evaluated: 2024-06-17. Review status: criteria provided, single submitter. Criteria: ACMG Guidelines, 2015. Collection method: clinical testing. Allele origin: germline.

PreventionGenetics, part of Exact Sciences
Classification: Uncertain significance for NSDHL-related condition. Last evaluated: 2023-07-17. Review status: criteria provided, single submitter. Criteria: ACMG Guidelines, 2015. Collection method: clinical testing. Allele origin: germline.
Comment: The NSDHL c.1118A>G variant is predicted to result in the amino acid substitution p.Lys373Arg. To our knowledge, this variant has not been reported in the literature or in a large population database, indicating this variant is rare. At this time, the clinical significance of this variant is uncertain due to the absence of conclusive functional and genetic evidence.

New York Genome Center
Classification: Uncertain significance for CK syndrome; Child syndrome. Last evaluated: 2020-03-13. Review status: criteria provided, single submitter. Criteria: NYGC Assertion Criteria 2020. Collection method: clinical testing. Allele origin: inherited. Observed: 1 hemizygote. Study: CSER-NYCKidSeq.
Comment: The inherited c.1118A>G, p.Lys373Arg missense variant in exon 8 of 8 of NSDHL has not been reported in affected individuals in the available literature. This variant is not present in gnomAD indicating it is not a common benign variant in the populations represented in this database. In silico predictors suggest this variant is Neutral (Provean; score: -0.63) and Tolerated (SIFT; score: 0.105). This missense variant is at the penultimate amino acid of this protein (total aa 374). The NSDHL variants seen in the 3 affected CK syndrome families reported thus far include a missense [PMID: 25900314] an in-frame deletion of a single amino acid [PMID: 19842190] and a frameshift in the last exon resulting in stop loss & extension [PMID: 19377476]. Given the conflicting evidence regarding its pathogenicity, the c.1118A>G (p.Lys373Arg) variant identified in the NSDHL gene is reported here as a Variant of Uncertain Significance.